The following is an entry in ClinVar:

ClinVar aggregate classification (germline): Uncertain significance (1 of 4 stars; one submission).

Conditions:
Wilms tumor 1 (WT1). Also called: Wilms tumor, somatic. Identifiers: Orphanet 654, MedGen CN033288, MONDO:0008679, OMIM 194070.

Submission:

Labcorp Genetics (formerly Invitae), Labcorp
Classification: Uncertain significance for Wilms tumor 1. Last evaluated: 2016-04-24. Review status: criteria provided, single submitter. Criteria: Invitae Variant Classification Sherloc (09022015). Collection method: clinical testing. Allele origin: germline.
Comment: This variant is not present in population databases (ExAC no frequency) and has not been reported in the literature in individuals with a GPC3-related disease. Algorithms developed to predict the effect of missense changes on protein structure and function do not agree on the potential impact of this missense change (SIFT: "Deleterious"; PolyPhen-2: "Probably Damaging"; Align-GVGD: "Class C15"). In summary, this variant is a novel missense change with uncertain impact on protein function. It has been classified as a Variant of Uncertain Significance. This sequence change replaces serine with cysteine at codon 263 of the GPC3 protein (p.Ser263Cys). The serine residue is moderately conserved and there is a moderate physicochemical difference between serine and cysteine.

NM_004484.4(GPC3):c.788C>G (p.Ser263Cys)

Gene: GPC3 (glypican 3; minus strand). Cytogenetic location: Xq26.2.
Variant type: single nucleotide variant.
Coding change: c.788C>G on transcript NM_004484.4 (MANE Select); coding-DNA position 788, C replaced by G.
Protein change: p.Ser263Cys; replaces serine 263 with cysteine.
Molecular consequence: missense variant.
Genome position (GRCh38, 1-based): chrX:133,753,726, G>C on the plus strand (C>G on the coding strand, the complement: GPC3 is on the minus strand). VCF-style: chrX-133753726-G-C. GRCh37 (hg19) VCF-style: chrX-132887753-G-C.
Other names: c.788C>G, p.Ser263Cys (NM_001164617.2); c.740C>G, p.Ser247Cys (NM_001164618.2); c.626C>G, p.Ser209Cys (NM_001164619.2); short protein forms S263C, S209C, S247C.
Identifiers: ClinVar variation 408887 (VCV000408887.7), dbSNP rs1060502170, ClinGen allele CA16616442.
Genomic context (GRCh38, chrX:133,753,726, plus strand): 5'-TGCATGACCACATTGCAGTAACCGCCACAGGGTTTAACCATCATCAGTCCCTGGCAGTAA[G>C]AGCAGTACCACATTCTGGTGAGCATTCGGCCACAGTCCTTACTGAACTTCAGGTGATCAG-3'
Protein context (NP_004475.1, residues 253-273): GRMLTRMWYC[Ser263Cys]YCQGLMMVKP